The following is an entry in ClinVar:

ClinVar aggregate classification (germline): Likely benign (1 of 4 stars; one submission).

Allele frequency attached by ClinVar (database versions not stated): 1000 Genomes Project 0.00300; 1000 Genomes Project 30x 0.00375; ESP Exome Variant Server 0.00559; TOPMed 0.00630.
gnomAD v4.1: 11,078 of 1,613,860 alleles (0.69%); highest among the groups gnomAD compares: Admixed American, 0.96%; 53 homozygotes.

Submission:

CeGaT Center for Human Genetics Tuebingen
Classification: Likely benign. Last evaluated: 2023-02-01. Review status: criteria provided, single submitter. Criteria: CeGaT Center For Human Genetics Tuebingen Variant Classification Criteria Version 2. Collection method: clinical testing. Allele origin: germline. Affected: yes. Observed: 1 variant allele.
Comment: PTPRB: BS2

NM_001109754.4(PTPRB):c.5069C>T (p.Thr1690Ile)

Genes: PTPRB (protein tyrosine phosphatase receptor type B; minus strand), PTPRB-AS1 (PTPRB antisense RNA 1; plus strand). Cytogenetic location: 12q15.
Variant type: single nucleotide variant.
Coding change: c.5069C>T on transcript NM_001109754.4 (MANE Select); coding-DNA position 5069, C replaced by T.
Protein change: p.Thr1690Ile; replaces threonine 1690 with isoleucine.
Molecular consequence: missense variant.
Genome position (GRCh38, 1-based): chr12:70,555,234, G>A on the plus strand (C>T on the coding strand, the complement: PTPRB is on the minus strand). VCF-style: chr12-70555234-G-A. GRCh37 (hg19) VCF-style: chr12-70949014-G-A.
Other names: c.4145C>T, p.Thr1382Ile (NM_001206971.3, NM_001206972.3); c.4805C>T, p.Thr1602Ile (NM_001330204.2); c.4415C>T, p.Thr1472Ile (NM_002837.6); short protein forms T1382I, T1472I, T1602I, T1690I.
Identifiers: ClinVar variation 2643175 (VCV002643175.24), dbSNP rs61758735, ClinGen allele CA6683591.